The following is an entry in ClinVar:

ClinVar aggregate classification (germline): Uncertain significance. Review status: criteria provided, multiple submitters, no conflicts (2 of 4 stars). 7 submissions from 7 submitters: Uncertain significance (7). Last evaluated 2026-07-06.

Conditions:
Hereditary cancer-predisposing syndrome. Also called: Tumor predisposition; Neoplastic Syndromes, Hereditary; Hereditary Cancer Syndrome; Hereditary neoplastic syndrome. Identifiers: Orphanet 140162, MedGen C0027672, MeSH D009386, MONDO:0015356.
Familial adenomatous polyposis 1 (FAP1). Also called: POLYPOSIS, ADENOMATOUS INTESTINAL; FAMILIAL ADENOMATOUS POLYPOSIS 1, ATTENUATED. Identifiers: MedGen C2713442, MONDO:0021056, OMIM 175100. Disease mechanism: loss of function.
Classic or attenuated familial adenomatous polyposis. Identifiers: MedGen CN372698, MONDO:0021057.

Allele frequency attached by ClinVar (database versions not stated): TOPMed 0.00001.

Submissions (7):

KCCC/NGS Laboratory, Kuwait Cancer Control Center
Classification: Uncertain significance for Familial adenomatous polyposis 1. Last evaluated: 2026-07-06. Review status: criteria provided, single submitter. Criteria: ACMG Guidelines, 2015. Collection method: clinical testing. Allele origin: germline. Inheritance: Autosomal dominant inheritance. Affected: yes.
Comment: A Variant of uncertain significance was detected in APC gene

Labcorp Genetics (formerly Invitae), Labcorp
Classification: Uncertain significance for Familial adenomatous polyposis 1. Last evaluated: 2025-11-03. Review status: criteria provided, single submitter. Criteria: Invitae Variant Classification Sherloc (09022015). Collection method: clinical testing. Allele origin: germline.
Comment: This sequence change replaces proline, which is neutral and non-polar, with glutamine, which is neutral and polar, at codon 1619 of the APC protein (p.Pro1619Gln). This variant is not present in population databases (gnomAD no frequency). This variant has not been reported in the literature in individuals affected with APC-related conditions. ClinVar contains an entry for this variant (Variation ID: 469981). Invitae Evidence Modeling of protein sequence and biophysical properties (such as structural, functional, and spatial information, amino acid conservation, physicochemical variation, residue mobility, and thermodynamic stability) indicates that this missense variant is not expected to disrupt APC protein function with a negative predictive value of 95%. In summary, the available evidence is currently insufficient to determine the role of this variant in disease. Therefore, it has been classified as a Variant of Uncertain Significance.

Quest Diagnostics Nichols Institute San Juan Capistrano
Classification: Uncertain significance. Last evaluated: 2025-10-09. Review status: criteria provided, single submitter. Criteria: Quest Diagnostics criteria. Collection method: clinical testing. Allele origin: unknown.
Comment: The APC c.4856C>A (p.Pro1619Gln) variant has not been reported in individuals with APC-related conditions in the published literature. This variant has not been reported in large, multi-ethnic general populations (Genome Aggregation Database). Analysis of this variant using bioinformatics tools for the prediction of the effect of amino acid changes on protein structure and function yielded predictions that this variant is damaging. Based on the available information, we are unable to determine the clinical significance of this variant.

Ambry Genetics
Classification: Uncertain significance for Hereditary cancer-predisposing syndrome. Last evaluated: 2025-03-13. Review status: criteria provided, single submitter. Criteria: Ambry Variant Classification Scheme 2023. Collection method: clinical testing. Allele origin: germline.
Comment: The p.P1619Q variant (also known as c.4856C>A), located in coding exon 15 of the APC gene, results from a C to A substitution at nucleotide position 4856. The proline at codon 1619 is replaced by glutamine, an amino acid with similar properties. Missense alterations in APC are not a common cause of disease (Spier I et al. Genet Med. 2024 Feb;26(2):100992). This amino acid position is highly conserved in available vertebrate species. In addition, in silico predictors for this gene do not accurately predict pathogenicity. Based on the available evidence, the clinical significance of this variant remains unclear.

All of Us Research Program, National Institutes of Health
Classification: Uncertain significance for Classic or attenuated familial adenomatous polyposis. Last evaluated: 2024-05-09. Review status: criteria provided, single submitter. Criteria: ACMG Guidelines, 2015. Collection method: clinical testing. Allele origin: germline. Inheritance: Autosomal dominant inheritance. Observed: 2 variant alleles, 2 heterozygotes.
Comment: This study involves interpretation of variants in research participants for the purpose of population health screening. Participant phenotype was not available at the time of variant classification. Additional details can be found in publication PMID: 35346344, PMCID: PMC8962531

Color Diagnostics, LLC DBA Color Health
Classification: Uncertain significance for Hereditary cancer-predisposing syndrome. Last evaluated: 2023-12-05. Review status: criteria provided, single submitter. Criteria: ACMG Guidelines, 2015. Collection method: clinical testing. Allele origin: germline.
Comment: This missense variant replaces proline with glutamine at codon 1619 of the APC protein. Computational prediction is inconclusive regarding the impact of this variant on protein structure and function (internally defined REVEL score threshold 0.5 < inconclusive < 0.7, PMID: 27666373). To our knowledge, functional studies have not been reported for this variant. This variant has not been reported in individuals affected with APC-related disorders in the literature. This variant has not been identified in the general population by the Genome Aggregation Database (gnomAD). The available evidence is insufficient to determine the role of this variant in disease conclusively. Therefore, this variant is classified as a Variant of Uncertain Significance.

Mendelics
Classification: Uncertain significance for Familial adenomatous polyposis 1. Last evaluated: 2018-07-02. Review status: criteria provided, single submitter. Criteria: Mendelics Assertion Criteria 2017. Collection method: clinical testing. Allele origin: unknown.

NM_000038.6(APC):c.4856C>A (p.Pro1619Gln)

Gene: APC (APC regulator of Wnt signaling pathway; plus strand). Cytogenetic location: 5q22.2.
Variant type: single nucleotide variant.
Coding change: c.4856C>A on transcript NM_000038.6 (MANE Select); coding-DNA position 4856, C replaced by A.
Protein change: p.Pro1619Gln; replaces proline 1619 with glutamine.
Molecular consequence: missense variant.
Genome position (GRCh38, 1-based): chr5:112,840,450, C>A. VCF-style: chr5-112840450-C-A. GRCh37 (hg19) VCF-style: chr5-112176147-C-A.
Other names: c.4856C>A, p.Pro1619Gln (NM_001127510.3, NM_001354895.2); c.4802C>A, p.Pro1601Gln (NM_001127511.3); c.4910C>A, p.Pro1637Gln (NM_001354896.2); c.4886C>A, p.Pro1629Gln (NM_001354897.2); c.4781C>A, p.Pro1594Gln (NM_001354898.2); c.4772C>A, p.Pro1591Gln (NM_001354899.2); c.4733C>A, p.Pro1578Gln (NM_001354900.2); c.4679C>A, p.Pro1560Gln (NM_001354901.2); and 5 more; short protein forms P1601Q, P1619Q, P1518Q, P1591Q, P1594Q, P1637Q, P1493Q, P1528Q.
Identifiers: ClinVar variation 469981 (VCV000469981.19), dbSNP rs952674488, ClinGen allele CA16031968.